The following is an entry in ClinVar:

NM_000078.3(CETP):c.525A>C (p.Arg175=)

Gene: CETP (cholesteryl ester transfer protein; plus strand). Cytogenetic location: 16q13.
Variant type: single nucleotide variant.
Coding change: c.525A>C on transcript NM_000078.3 (MANE Select); coding-DNA position 525, A replaced by C.
Protein change: p.Arg175=; no amino-acid change (arginine 175 retained).
Molecular consequence: synonymous variant.
Genome position (GRCh38, 1-based): chr16:56,969,999, A>C. VCF-style: chr16-56969999-A-C. GRCh37 (hg19) VCF-style: chr16-57003911-A-C.
Other names: c.525A>C, p.Arg175= (NM_001286085.2).
Identifiers: ClinVar variation 1690859 (VCV001690859.2), dbSNP rs2141997534, ClinGen allele CA495618188.
Genomic context (GRCh38, chr16:56,969,999, plus strand): 5'-CGATGCCCCTGACTGCTACCTGTCTTTCCATAAGCTGCTCCTGCATCTCCAAGGGGAGCG[A>C]GAGTAAGTACACCACCCTGTGGCCCCCATTCCTGCTCGTGCCCATCCTGTTAGTGTGTCC-3'
Protein context (NP_000069.2, residues 165-185): HKLLLHLQGE[Arg175=]EPGWIKQLFT

ClinVar aggregate classification (germline): Uncertain significance (1 of 4 stars; one submission).

Submission:

Laboratorio de Genetica e Diagnostico Molecular, Hospital Israelita Albert Einstein
Classification: Uncertain significance. Last evaluated: 2020-04-15. Review status: criteria provided, single submitter. Criteria: ACMG Guidelines, 2015. Collection method: clinical testing. Allele origin: germline. Affected: yes.
Comment: ACMG classification criteria: PM2, PP3